The following is an entry in ClinVar:

NM_025132.4(WDR19):c.6+3A>G

Gene: WDR19 (WD repeat domain 19; plus strand). Cytogenetic location: 4p14.
Variant type: single nucleotide variant.
Coding change: c.6+3A>G on transcript NM_025132.4 (MANE Select); 3 bases into the intron after coding-DNA position 6, A replaced by G.
Molecular consequence: intron variant.
Genome position (GRCh38, 1-based): chr4:39,182,566, A>G. VCF-style: chr4-39182566-A-G. GRCh37 (hg19) VCF-style: chr4-39184186-A-G.
Other names: c.-359+3A>G (NM_001317924.2).
Identifiers: ClinVar variation 1385976 (VCV001385976.5), dbSNP rs1415721879, ClinGen allele CA550721315.

ClinVar aggregate classification (germline): Uncertain significance. Review status: criteria provided, multiple submitters, no conflicts (2 of 4 stars). 3 submissions from 3 submitters: Uncertain significance (3). Last evaluated 2022-09-12.

Conditions:
Asphyxiating thoracic dystrophy 5 (SRTD5). Also called: SHORT-RIB THORACIC DYSPLASIA 5 WITHOUT POLYDACTYLY; SHORT-RIB THORACIC DYSPLASIA 5 WITH OR WITHOUT POLYDACTYLY. Identifiers: Orphanet 474, MedGen C3280598, MONDO:0013717, OMIM 614376.
Nephronophthisis 13 (NPHP13). Identifiers: Orphanet 655, MedGen C3280612, MONDO:0013718, OMIM 614377.
Cranioectodermal dysplasia 4 (CED4). Identifiers: Orphanet 1515, MedGen C3280616, MONDO:0013719, OMIM 614378.
Spermatogenic failure 72 (SPGF72). Identifiers: MedGen C5676980, MONDO:0030809, OMIM 619867.
Senior-Loken syndrome 8 (SLSN8). Identifiers: Orphanet 3156, MedGen C4225376, MONDO:0014579, OMIM 616307.

Allele frequency attached by ClinVar (database versions not stated): gnomAD 0.00001; gnomAD exomes 0.00001.
gnomAD v4.1: 10 of 1,613,656 alleles (0.00062%); highest among the groups gnomAD compares: Non-Finnish European, 0.00085%; no homozygotes.

Submissions (3):

Labcorp Genetics (formerly Invitae), Labcorp
Classification: Uncertain significance for Senior-Loken syndrome 8; Asphyxiating thoracic dystrophy 5. Last evaluated: 2022-09-12. Review status: criteria provided, single submitter. Criteria: Invitae Variant Classification Sherloc (09022015). Collection method: clinical testing. Allele origin: germline.
Comment: This sequence change falls in intron 1 of the WDR19 gene. It does not directly change the encoded amino acid sequence of the WDR19 protein. It affects a nucleotide within the consensus splice site. This variant is present in population databases (no rsID available, gnomAD 0.007%). This variant has not been reported in the literature in individuals affected with WDR19-related conditions. ClinVar contains an entry for this variant (Variation ID: 1385976). Variants that disrupt the consensus splice site are a relatively common cause of aberrant splicing (PMID: 17576681, 9536098). Algorithms developed to predict the effect of sequence changes on RNA splicing suggest that this variant is not likely to affect RNA splicing. In summary, the available evidence is currently insufficient to determine the role of this variant in disease. Therefore, it has been classified as a Variant of Uncertain Significance.

Fulgent Genetics
Classification: Uncertain significance for Asphyxiating thoracic dystrophy 5; Nephronophthisis 13; Cranioectodermal dysplasia 4; Senior-Loken syndrome 8; Spermatogenic failure 72. Last evaluated: 2022-01-05. Review status: criteria provided, single submitter. Criteria: ACMG Guidelines, 2015. Collection method: clinical testing. Allele origin: unknown.

Blueprint Genetics
Classification: Uncertain significance. Last evaluated: 2021-07-14. Review status: criteria provided, single submitter. Criteria: ACMG Guidelines, 2015. Collection method: clinical testing. Allele origin: germline.

Literature cited by the submitters: PubMed 17576681 (cited by Labcorp Genetics (formerly Invitae), Labcorp); PubMed 9536098 (cited by Labcorp Genetics (formerly Invitae), Labcorp).